The following is an entry in ClinVar:

ClinVar aggregate classification (germline): Uncertain significance. Review status: criteria provided, multiple submitters, no conflicts (2 of 4 stars). 3 submissions from 3 submitters: Uncertain significance (3). Last evaluated 2024-08-07.

Conditions:
Primary immunodeficiency with natural-killer cell deficiency and adrenal insufficiency (IMD54). Also called: Natural killer cell and glucocorticoid deficiency with DNA repair defect; IMMUNODEFICIENCY 54. Identifiers: Orphanet 75391, MedGen C1864947, MONDO:0012383, OMIM 609981.

Allele frequency attached by ClinVar (database versions not stated): gnomAD 0.00001; ExAC 0.00002; gnomAD exomes 0.00002.
gnomAD v4.1: 12 of 1,612,526 alleles (0.00074%); highest among the groups gnomAD compares: Non-Finnish European, 0.00017%; no homozygotes.

Submissions (3):

Labcorp Genetics (formerly Invitae), Labcorp
Classification: Uncertain significance. Last evaluated: 2024-08-07. Review status: criteria provided, single submitter. Criteria: Invitae Variant Classification Sherloc (09022015). Collection method: clinical testing. Allele origin: germline.
Comment: This sequence change replaces valine, which is neutral and non-polar, with methionine, which is neutral and non-polar, at codon 67 of the MCM4 protein (p.Val67Met). This variant is present in population databases (rs755044869, gnomAD 0.06%). This variant has not been reported in the literature in individuals affected with MCM4-related conditions. ClinVar contains an entry for this variant (Variation ID: 363214). An algorithm developed to predict the effect of missense changes on protein structure and function outputs the following: PolyPhen-2: "Benign". The methionine amino acid residue is found in multiple mammalian species, which suggests that this missense change does not adversely affect protein function. In summary, the available evidence is currently insufficient to determine the role of this variant in disease. Therefore, it has been classified as a Variant of Uncertain Significance.

Ambry Genetics
Classification: Uncertain significance. Last evaluated: 2023-10-24. Review status: criteria provided, single submitter. Criteria: Ambry Variant Classification Scheme 2023. Collection method: clinical testing. Allele origin: germline.

Illumina Laboratory Services, Illumina
Classification: Uncertain significance for Primary immunodeficiency with natural-killer cell deficiency and adrenal insufficiency. Last evaluated: 2018-01-13. Review status: criteria provided, single submitter. Criteria: ICSL Variant Classification Criteria 13 December 2019. Collection method: clinical testing. Allele origin: germline.

NM_182746.3(MCM4):c.199G>A (p.Val67Met)

Gene: MCM4 (minichromosome maintenance complex component 4; plus strand). Cytogenetic location: 8q11.21.
Variant type: single nucleotide variant.
Coding change: c.199G>A on transcript NM_182746.3 (MANE Select); coding-DNA position 199, G replaced by A.
Protein change: p.Val67Met; replaces valine 67 with methionine.
Molecular consequence: missense variant.
Genome position (GRCh38, 1-based): chr8:47,961,644, G>A. VCF-style: chr8-47961644-G-A. GRCh37 (hg19) VCF-style: chr8-48874204-G-A.
Other names: c.199G>A, p.Val67Met (LRG_1239t1, NM_005914.4); short protein forms V67M.
Identifiers: ClinVar variation 363214 (VCV000363214.9), dbSNP rs755044869, ClinGen allele CA4742207.